The following is an entry in ClinVar:

NM_001267550.2(TTN):c.89061dup (p.Ile29688fs)

Genes: TTN (titin; minus strand), TTN-AS1 (TTN antisense RNA 1; plus strand). Cytogenetic location: 2q31.2.
Variant type: Duplication.
Coding change: c.89061dup on transcript NM_001267550.2 (MANE Select); coding-DNA position 89061, one base duplicated (T; older notation c.89061dupT).
Protein change: p.Ile29688fs; shifts the reading frame from isoleucine 29688.
Molecular consequence: frameshift variant.
Genome position (GRCh38, 1-based): chr2:178,554,050, A duplicated on the plus strand (T on the coding strand, the reverse complement: TTN is on the minus strand). VCF-style (leftmost placement, unchanged base first): chr2-178554049-T-TA. GRCh37 (hg19) VCF-style: chr2-179418776-T-TA.
Other names: c.84138dup, p.Ile28047fs (NM_001256850.1); c.61866dup, p.Ile20623fs (NM_003319.4); c.81357dup, p.Ile27120fs (NM_133378.4); c.62241dup, p.Ile20748fs (NM_133432.3); c.62442dup, p.Ile20815fs (NM_133437.4); short protein forms I20623fs, I20748fs, I20815fs, I27120fs, I28047fs, I29688fs.
Identifiers: ClinVar variation 5041659 (VCV005041659.1).

ClinVar aggregate classification (germline): Likely pathogenic (1 of 4 stars; one submission).

Submission:

CeGaT Center for Human Genetics Tuebingen
Classification: Likely pathogenic. Last evaluated: 2026-09-01. Review status: criteria provided, single submitter. Criteria: CeGaT Center For Human Genetics Tuebingen Variant Classification Criteria Version 2. Collection method: clinical testing. Allele origin: germline. Affected: yes. Observed: 1 variant allele.
Comment: TTN: PVS1:Strong, PM2